The following is an entry in ClinVar:

ClinVar aggregate classification (germline): Pathogenic (1 of 4 stars; one submission).

Submission:

Labcorp Genetics (formerly Invitae), Labcorp
Classification: Pathogenic. Last evaluated: 2022-09-19. Review status: criteria provided, single submitter. Criteria: Invitae Variant Classification Sherloc (09022015). Collection method: clinical testing. Allele origin: germline.
Comment: For these reasons, this variant has been classified as Pathogenic. ClinVar contains an entry for this variant (Variation ID: 1416416). This variant has not been reported in the literature in individuals affected with IFT74-related conditions. This variant is not present in population databases (gnomAD no frequency). This sequence change creates a premature translational stop signal (p.Glu198*) in the IFT74 gene. It is expected to result in an absent or disrupted protein product. Loss-of-function variants in IFT74 are known to be pathogenic (PMID: 33531668).

Literature cited by the submitters: PubMed 33531668.

NM_025103.4(IFT74):c.592G>T (p.Glu198Ter)

Gene: IFT74 (intraflagellar transport 74; plus strand). Cytogenetic location: 9p21.2.
Variant type: single nucleotide variant.
Coding change: c.592G>T on transcript NM_025103.4 (MANE Select); coding-DNA position 592, G replaced by T.
Protein change: p.Glu198Ter; replaces glutamic acid 198 with a stop codon.
Molecular consequence: nonsense.
Genome position (GRCh38, 1-based): chr9:27,009,024, G>T. VCF-style: chr9-27009024-G-T. GRCh37 (hg19) VCF-style: chr9-27009022-G-T.
Other names: c.592G>T, p.Glu198Ter (NM_001099222.3, NM_001099223.3, NM_001099224.3 and 1 more transcripts); short protein forms E198*.
Identifiers: ClinVar variation 1416416 (VCV001416416.6), dbSNP rs1828923734, ClinGen allele CA373116040.